The following is an entry in ClinVar:

NM_017780.4(CHD7):c.3378+5G>T

Gene: CHD7 (chromodomain helicase DNA binding protein 7; plus strand). Cytogenetic location: 8q12.2.
Variant type: single nucleotide variant.
Coding change: c.3378+5G>T on transcript NM_017780.4 (MANE Select); 5 bases into the intron after coding-DNA position 3378, G replaced by T.
Molecular consequence: intron variant.
Genome position (GRCh38, 1-based): chr8:60,824,021, G>T. VCF-style: chr8-60824021-G-T. GRCh37 (hg19) VCF-style: chr8-61736580-G-T.
Other names: NC_000008.10:g.61736580G>T; c.3378+5G>T (LRG_176t1); c.1717-38208G>T (NM_001316690.1).
Identifiers: ClinVar variation 431807 (VCV000431807.3), dbSNP rs1554598029, ClinGen allele CA371312864.
Genomic context (GRCh38, chr8:60,824,021, plus strand): 5'-ACAGGCTGAAGAACAGGAACTGCAAGCTGTTGGAGGGACTCAAGATGATGGACTTGGTCA[G>T]TGACCATATTGGTGATTGCACTGAACCTGAATAGAATTGTTGCTGACTTGATAGTCCCGT-3'

ClinVar aggregate classification (germline): Likely pathogenic (1 of 4 stars; one submission).

Submissions (2):

GeneDx
Classification: Likely pathogenic. Last evaluated: 2017-03-22. Review status: criteria provided, single submitter. Criteria: GeneDx Variant Classification (06012015). Collection method: clinical testing. Allele origin: germline. Affected: yes.
Comment: The c.3378+5 G>T splice site variant in the CHD7 gene has been previously reported in association with CHARGE syndrome (Bartels et al., 2010). Although in silico models are inconsistent in predictions as to whether the c.3378+5 G>T variant destroys the natural splice donor site in intron 13, a different nucleotide change at the same splice site (c.3378+5 G>C) has been reported as a de novo occurrence in a patient with CHARGE syndrome (Janssen et al., 2012). Additionally, the c.3378+5 G>T variant is not observed in large population cohorts (Lek et al., 2016; 1000 Genomes Consortium et al., 2015; Exome Variant Server). In summary, this variant is likely pathogenic; however, the possibility that it is benign cannot be excluded.

Dr. Peter K. Rogan Lab, Western University
No classification provided (evidence only). Condition: Hepatocellular carcinoma. Review status: no classification provided. Collection method: in vitro. Allele origin: not applicable. Functional consequence: retained intron. Not counted in ClinVar's aggregate classification.